The following is an entry in ClinVar:

ClinVar aggregate classification (germline): Pathogenic (1 of 4 stars; one submission).

Conditions:
Fabry disease. Also called: ALPHA-GALACTOSIDASE A DEFICIENCY; ANDERSON-FABRY DISEASE; CERAMIDE TRIHEXOSIDASE DEFICIENCY; GLA DEFICIENCY; HEREDITARY DYSTOPIC LIPIDOSIS; Angiokeratoma corporis diffusum. Identifiers: Orphanet 324, MedGen C0002986, MONDO:0010526, OMIM 301500, HP:0001071. Disease mechanism: Fabry disease is due to inactivating mutations in the X-linked GLA gene resulting in deficiency of the enzyme Alpha Galactosidase-A., loss of function.

Submission:

Genomenon, Inc
Classification: Pathogenic for Fabry disease. Last evaluated: 2026-09-08. Review status: criteria provided, single submitter. Criteria: Genomenon Sequence Variant Interpretation Standards - Updated. Collection method: curation. Allele origin: germline. Affected: yes.
Comment: GLA p.Trp226Ter (c.678G>A) is a nonsense variant that introduces a premature stop codon at amino acid position 226 and is predicted to result in a truncated or absent protein product. This variant has been observed in at least one proband with clinical features consistent with Fabry disease (PMID:22551898;27225851;40760696;40495216;39609713). Functional or patient cell studies have been reported (PMID:27225851;39609713). It is absent or not present at a significant frequency in gnomAD. In conclusion, we classify GLA p.Trp226Ter (c.678G>A) as a pathogenic variant.

Literature cited by the submitters: PubMed 22551898; PubMed 27225851; PubMed 40760696; PubMed 40495216; PubMed 39609713.

NM_000169.3(GLA):c.678G>A (p.Trp226Ter)

Genes: GLA (galactosidase alpha; minus strand), RPL36A-HNRNPH2 (RPL36A-HNRNPH2 readthrough; plus strand). Cytogenetic location: Xq22.1.
Variant type: single nucleotide variant.
Coding change: c.678G>A on transcript NM_000169.3 (MANE Select); coding-DNA position 678, G replaced by A.
Protein change: p.Trp226Ter; replaces tryptophan 226 with a stop codon.
Molecular consequence: nonsense. On other transcripts: non-coding transcript variant (3), intron variant (2).
Genome position (GRCh38, 1-based): chrX:101,398,908, C>T on the plus strand (G>A on the coding strand, the complement: GLA is on the minus strand). VCF-style: chrX-101398908-C-T. GRCh37 (hg19) VCF-style: chrX-100653896-C-T.
Other names: c.801G>A, p.Trp267Ter (NM_001406747.1); c.678G>A, p.Trp226Ter (NM_001406748.1); c.300+3451C>T (NM_001199973.2); c.177+7086C>T (NM_001199974.2); short protein forms W226*, W267*.
Identifiers: ClinVar variation 4087173 (VCV004087173.2).